The following is an entry in ClinVar:

ClinVar aggregate classification (germline): Uncertain significance (1 of 4 stars; one submission).

Conditions:
Developmental and epileptic encephalopathy, 12 (DEE12). Identifiers: MedGen C3150988, MONDO:0013389, OMIM 613722.

Submission:

Labcorp Genetics (formerly Invitae), Labcorp
Classification: Uncertain significance for Developmental and epileptic encephalopathy, 12. Last evaluated: 2021-08-02. Review status: criteria provided, single submitter. Criteria: Invitae Variant Classification Sherloc (09022015). Collection method: clinical testing. Allele origin: germline.
Comment: This variant has not been reported in the literature in individuals affected with PLCB1-related conditions. This sequence change replaces glutamine with histidine at codon 782 of the PLCB1 protein (p.Gln782His). The glutamine residue is moderately conserved and there is a small physicochemical difference between glutamine and histidine. This variant is not present in population databases (ExAC no frequency). Algorithms developed to predict the effect of missense changes on protein structure and function are either unavailable or do not agree on the potential impact of this missense change (SIFT: "Deleterious"; PolyPhen-2: "Benign"; Align-GVGD: "Class C0"). In summary, the available evidence is currently insufficient to determine the role of this variant in disease. Therefore, it has been classified as a Variant of Uncertain Significance.

NM_015192.4(PLCB1):c.2346G>C (p.Gln782His)

Gene: PLCB1 (phospholipase C beta 1; plus strand). Cytogenetic location: 20p12.3.
Variant type: single nucleotide variant.
Coding change: c.2346G>C on transcript NM_015192.4 (MANE Select); coding-DNA position 2346, G replaced by C.
Protein change: p.Gln782His; replaces glutamine 782 with histidine.
Molecular consequence: missense variant.
Genome position (GRCh38, 1-based): chr20:8,740,381, G>C. VCF-style: chr20-8740381-G-C. GRCh37 (hg19) VCF-style: chr20-8721028-G-C.
Other names: c.2346G>C, p.Gln782His (NM_182734.3); short protein forms Q782H.
Identifiers: ClinVar variation 1371728 (VCV001371728.6), dbSNP rs2123518683, ClinGen allele CA408207926.
Genomic context (GRCh38, chr20:8,740,381, plus strand): 5'-ACAGCATTATTCTCACCTTCCAGGCTATCACTATATCTGTCTAAGGAATGAAAGGAACCA[G>C]CCTCTGACGCTGCCTGCTGTCTTTGTCTACATAGAAGTGAAAGACTATGTGCCAGACACA-3'
Protein context (NP_056007.1, residues 772-792): HYICLRNERN[Gln782His]PLTLPAVFVY